The following is an entry in ClinVar:

ClinVar aggregate classification (germline): Benign/Likely benign. Review status: criteria provided, multiple submitters, no conflicts (2 of 4 stars). 3 submissions from 3 submitters: Benign (1); Likely benign (2). Last evaluated 2025-10-03.

Conditions:
Tuberous sclerosis 1 (TSC1). Identifiers: Orphanet 805, MedGen C1854465, MONDO:0008612, OMIM 191100.
Hereditary cancer-predisposing syndrome. Also called: Neoplastic Syndromes, Hereditary; Hereditary neoplastic syndrome; Hereditary Cancer Syndrome; Tumor predisposition. Identifiers: Orphanet 140162, MedGen C0027672, MeSH D009386, MONDO:0015356.

gnomAD v4.1: 1 of 1,614,142 alleles (0.000062%); highest among the groups gnomAD compares: South Asian, 0.0011%; no homozygotes.

Submissions (3):

Ambry Genetics
Classification: Likely benign for Hereditary cancer-predisposing syndrome. Last evaluated: 2025-10-03. Review status: criteria provided, single submitter. Criteria: Ambry Variant Classification Scheme 2023. Collection method: clinical testing. Allele origin: germline.

Labcorp Genetics (formerly Invitae), Labcorp
Classification: Likely benign for Tuberous sclerosis 1. Last evaluated: 2025-07-23. Review status: criteria provided, single submitter. Criteria: Invitae Variant Classification Sherloc (09022015). Collection method: clinical testing. Allele origin: germline.

Myriad Genetics, Inc.
Classification: Benign for Tuberous sclerosis 1. Last evaluated: 2025-04-28. Review status: criteria provided, single submitter. Criteria: Myriad Autosomal Dominant, Autosomal Recessive and X-Linked Classification Criteria (2023). Collection method: clinical testing. Allele origin: unknown.
Comment: This variant is considered benign. This variant is a silent/synonymous amino acid change and it is not expected to impact splicing.

NM_000368.5(TSC1):c.2571G>A (p.Glu857=)

Gene: TSC1 (TSC complex subunit 1; minus strand). Cytogenetic location: 9q34.13.
Variant type: single nucleotide variant.
Coding change: c.2571G>A on transcript NM_000368.5 (MANE Select); coding-DNA position 2571, G replaced by A.
Protein change: p.Glu857=; no amino-acid change (glutamic acid 857 retained).
Molecular consequence: synonymous variant. On other transcripts: non-coding transcript variant (5).
Genome position (GRCh38, 1-based): chr9:132,900,769, C>T on the plus strand (G>A on the coding strand, the complement: TSC1 is on the minus strand). VCF-style: chr9-132900769-C-T. GRCh37 (hg19) VCF-style: chr9-135776156-C-T.
Other names: c.2568G>A, p.Glu856= (NM_001162426.2, NM_001406597.1, NM_001406598.1 and 2 more transcripts); c.2418G>A, p.Glu806= (NM_001162427.2, NM_001406610.1); c.2208G>A, p.Glu736= (NM_001362177.2, NM_001406614.1, NM_001406615.1 and 4 more transcripts); c.2571G>A, p.Glu857= (NM_001406592.1, NM_001406593.1, NM_001406594.1 and 2 more transcripts); c.2556G>A, p.Glu852= (NM_001406601.1, NM_001406602.1); c.2553G>A, p.Glu851= (NM_001406603.1, NM_001406604.1); c.2529G>A, p.Glu843= (NM_001406605.1, NM_001406606.1, NM_001406607.1); c.2526G>A, p.Glu842= (NM_001406608.1, NM_001406609.1); and 8 more.
Identifiers: ClinVar variation 4071184 (VCV004071184.3).